The following is an entry in ClinVar:

NM_004560.4(ROR2):c.2550G>C (p.Gln850His)

Gene: ROR2 (receptor tyrosine kinase like orphan receptor 2; minus strand). Cytogenetic location: 9q22.31.
Variant type: single nucleotide variant.
Coding change: c.2550G>C on transcript NM_004560.4 (MANE Select); coding-DNA position 2550, G replaced by C.
Protein change: p.Gln850His; replaces glutamine 850 with histidine.
Molecular consequence: missense variant.
Genome position (GRCh38, 1-based): chr9:91,723,944, C>G on the plus strand (G>C on the coding strand, the complement: ROR2 is on the minus strand). VCF-style: chr9-91723944-C-G. GRCh37 (hg19) VCF-style: chr9-94486226-C-G.
Other names: short protein forms Q850H.
Identifiers: ClinVar variation 841827 (VCV000841827.11), dbSNP rs1424299048, ClinGen allele CA373793857.

ClinVar aggregate classification (germline): Uncertain significance. Review status: criteria provided, multiple submitters, no conflicts (2 of 4 stars). 2 submissions from 2 submitters: Uncertain significance (2). Last evaluated 2024-03-14.

Conditions:
Inborn genetic diseases. Identifiers: MedGen C0950123, MeSH D030342.

Allele frequency attached by ClinVar (database versions not stated): gnomAD exomes below 0.00001; gnomAD 0.00001; TOPMed 0.00001.
gnomAD v4.1: 2 of 1,613,504 alleles (0.00012%); highest among the groups gnomAD compares: Non-Finnish European, 0.00017%; no homozygotes.

Submissions (2):

Ambry Genetics
Classification: Uncertain significance for Inborn genetic diseases. Last evaluated: 2024-03-14. Review status: criteria provided, single submitter. Criteria: Ambry Variant Classification Scheme 2023. Collection method: clinical testing. Allele origin: germline.

Labcorp Genetics (formerly Invitae), Labcorp
Classification: Uncertain significance. Last evaluated: 2019-12-27. Review status: criteria provided, single submitter. Criteria: Invitae Variant Classification Sherloc (09022015). Collection method: clinical testing. Allele origin: germline.
Comment: This sequence change replaces glutamine with histidine at codon 850 of the ROR2 protein (p.Gln850His). The glutamine residue is highly conserved and there is a small physicochemical difference between glutamine and histidine. Algorithms developed to predict the effect of missense changes on protein structure and function are either unavailable or do not agree on the potential impact of this missense change (SIFT: "Deleterious"; PolyPhen-2: "Benign"; Align-GVGD: "Class C15"). In summary, the available evidence is currently insufficient to determine the role of this variant in disease. Therefore, it has been classified as a Variant of Uncertain Significance. This variant has not been reported in the literature in individuals with ROR2-related conditions. This variant is not present in population databases (ExAC no frequency).